The following is an entry in ClinVar:

NM_015272.5(RPGRIP1L):c.2029A>G (p.Thr677Ala)

Gene: RPGRIP1L (RPGRIP1 like; minus strand). Cytogenetic location: 16q12.2.
Variant type: single nucleotide variant.
Coding change: c.2029A>G on transcript NM_015272.5 (MANE Select); coding-DNA position 2029, A replaced by G.
Protein change: p.Thr677Ala; replaces threonine 677 with alanine.
Molecular consequence: missense variant.
Genome position (GRCh38, 1-based): chr16:53,652,658, T>C on the plus strand (A>G on the coding strand, the complement: RPGRIP1L is on the minus strand). VCF-style: chr16-53652658-T-C. GRCh37 (hg19) VCF-style: chr16-53686570-T-C.
Other names: c.2029A>G, p.Thr677Ala (NM_001127897.4, NM_001308334.3, NM_001330538.2); c.2029A>G (NM_015272.4); short protein forms T677A.
Identifiers: ClinVar variation 3947412 (VCV003947412.2).

ClinVar aggregate classification (germline): Uncertain significance. Review status: criteria provided, multiple submitters, no conflicts (2 of 4 stars). 2 submissions from 2 submitters: Uncertain significance (2). Last evaluated 2026-03-30.

Conditions:
RPGRIP1L-related disorder. Also called: RPGRIP1L-related condition; RPGRIP1L-related disorders. Identifiers: MedGen CN239416.
Inborn genetic diseases. Identifiers: MedGen C0950123, MeSH D030342.

Submissions (2):

PreventionGenetics, part of Exact Sciences
Classification: Uncertain significance for RPGRIP1L-related condition. Last evaluated: 2026-03-30. Review status: criteria provided, single submitter. Criteria: ACMG Guidelines, 2015. Collection method: clinical testing. Allele origin: germline.
Comment: The RPGRIP1L c.2029A>G variant is predicted to result in the amino acid substitution p.Thr677Ala. To our knowledge, this variant has not been reported in the literature or in a large population database (gnomAD), indicating this variant is rare. Of note, a different variant at the same amino acid (p.Thr677Ile) was identified in an individual with Joubert syndrome (Delous et al. 2007. PubMed ID: 17558409). At this time, the clinical significance of the c.2029A>G (p.Thr677Ala) variant is uncertain due to the absence of conclusive functional and genetic evidence.

Ambry Genetics
Classification: Uncertain significance for Inborn genetic diseases. Last evaluated: 2025-04-03. Review status: criteria provided, single submitter. Criteria: Ambry Variant Classification Scheme 2023. Collection method: clinical testing. Allele origin: germline.